The following is an entry in ClinVar:

NM_138387.4(G6PC3):c.1001T>A (p.Met334Lys)

Gene: G6PC3 (glucose-6-phosphatase catalytic subunit 3; plus strand). Cytogenetic location: 17q21.31.
Variant type: single nucleotide variant.
Coding change: c.1001T>A on transcript NM_138387.4 (MANE Select); coding-DNA position 1001, T replaced by A.
Protein change: p.Met334Lys; replaces methionine 334 with lysine.
Molecular consequence: missense variant. On other transcripts: 3 prime UTR variant (1).
Genome position (GRCh38, 1-based): chr17:44,076,003, T>A. VCF-style: chr17-44076003-T-A. GRCh37 (hg19) VCF-style: chr17-42153371-T-A.
Other names: c.*294T>A (NM_001319945.2); c.656T>A, p.Met219Lys (NM_001384165.1, NM_001384166.1, NM_001384167.1 and 1 more transcripts); short protein forms M219K, M334K.
Identifiers: ClinVar variation 4620524 (VCV004620524.1).
Genomic context (GRCh38, chr17:44,076,003, plus strand): 5'-TCCTCAAGTACACCCTCTGGCCATGCCTAGTCCTGGCCCTCGTGCCCTGGGCAGTGCACA[T>A]GTTCAGTGCCCAGGAAGCACCGCCCATCCACTCTTCCTGACTTCTTGTGTGCCTCCCTTT-3'
Protein context (NP_612396.1, residues 324-344): VLALVPWAVH[Met334Lys]FSAQEAPPIH

ClinVar aggregate classification (germline): Uncertain significance (1 of 4 stars; one submission).

Conditions:
Inborn genetic diseases. Identifiers: MedGen C0950123, MeSH D030342.

Submission:

Ambry Genetics
Classification: Uncertain significance for Inborn genetic diseases. Last evaluated: 2025-11-28. Review status: criteria provided, single submitter. Criteria: Ambry Variant Classification Scheme 2023. Collection method: clinical testing. Allele origin: germline.
Comment: The p.M334K variant (also known as c.1001T>A), located in coding exon 6 of the G6PC3 gene, results from a T to A substitution at nucleotide position 1001. The methionine at codon 334 is replaced by lysine, an amino acid with similar properties. This amino acid position is conserved. In addition, this alteration is predicted to be tolerated by in silico analysis. Based on the available evidence, the clinical significance of this variant remains unclear.